The following is an entry in ClinVar:

ClinVar aggregate classification (germline): Uncertain significance (1 of 4 stars; one submission).

gnomAD v4.1: 5 of 1,606,498 alleles (0.00031%); highest among the groups gnomAD compares: Non-Finnish European, 0.00042%; no homozygotes.

Submission:

Ambry Genetics
Classification: Uncertain significance. Last evaluated: 2025-03-08. Review status: criteria provided, single submitter. Criteria: Ambry Variant Classification Scheme 2023. Collection method: clinical testing. Allele origin: germline.
Comment: The p.L1436V variant (also known as c.4306C>G), located in coding exon 19 of the WNK2 gene, results from a C to G substitution at nucleotide position 4306. The leucine at codon 1436 is replaced by valine, an amino acid with highly similar properties. This amino acid position is conserved. In addition, this alteration is predicted to be tolerated by in silico analysis. Based on the available evidence, the clinical significance of this variant remains unclear.

NM_006648.4(WNK2):c.4306C>G (p.Leu1436Val)

Gene: WNK2 (WNK lysine deficient protein kinase 2; plus strand). Cytogenetic location: 9q22.31.
Variant type: single nucleotide variant.
Coding change: c.4306C>G on transcript NM_006648.4 (MANE Select); coding-DNA position 4306, C replaced by G.
Protein change: p.Leu1436Val; replaces leucine 1436 with valine.
Molecular consequence: missense variant.
Genome position (GRCh38, 1-based): chr9:93,289,060, C>G. VCF-style: chr9-93289060-C-G. GRCh37 (hg19) VCF-style: chr9-96051342-C-G.
Other names: c.4417C>G, p.Leu1473Val (NM_001282394.3); short protein forms L1473V, L1436V.
Identifiers: ClinVar variation 3817235 (VCV003817235.1).